The following is an entry in ClinVar:

NM_003900.5(SQSTM1):c.1062G>C (p.Gln354His)

Gene: SQSTM1 (sequestosome 1; plus strand). Cytogenetic location: 5q35.3.
Variant type: single nucleotide variant.
Coding change: c.1062G>C on transcript NM_003900.5 (MANE Select); coding-DNA position 1062, G replaced by C.
Protein change: p.Gln354His; replaces glutamine 354 with histidine.
Molecular consequence: missense variant.
Genome position (GRCh38, 1-based): chr5:179,833,679, G>C. VCF-style: chr5-179833679-G-C. GRCh37 (hg19) VCF-style: chr5-179260679-G-C.
Other names: c.810G>C, p.Gln270His (NM_001142298.2, NM_001142299.2); short protein forms Q354H, Q270H.
Identifiers: ClinVar variation 1943712 (VCV001943712.5), dbSNP rs976860428, ClinGen allele CA133109719.

ClinVar aggregate classification (germline): Uncertain significance (1 of 4 stars; one submission).

Conditions:
Paget disease of bone 2, early-onset (PDB2). Also called: Paget disease of bone 2. Identifiers: MedGen C4085251, MONDO:0011183, OMIM 602080.
Frontotemporal dementia and/or amyotrophic lateral sclerosis 1 (FTDALS1). Also called: Frontotemporal dementia with motor neuron disease 1; C9orf72 Frontotemporal Dementia and/or Amyotrophic Lateral Sclerosis. Identifiers: Orphanet 275872, MedGen C5779877, MONDO:0007105, OMIM 105550.

gnomAD v4.1: 2 of 1,614,074 alleles (0.00012%); highest among the groups gnomAD compares: Non-Finnish European, 0.00017%; no homozygotes.

Submission:

Labcorp Genetics (formerly Invitae), Labcorp
Classification: Uncertain significance for Paget disease of bone 2, early-onset; Frontotemporal dementia and/or amyotrophic lateral sclerosis 1. Last evaluated: 2022-05-04. Review status: criteria provided, single submitter. Criteria: Invitae Variant Classification Sherloc (09022015). Collection method: clinical testing. Allele origin: germline.
Comment: In summary, the available evidence is currently insufficient to determine the role of this variant in disease. Therefore, it has been classified as a Variant of Uncertain Significance. Algorithms developed to predict the effect of missense changes on protein structure and function are either unavailable or do not agree on the potential impact of this missense change (SIFT: "Tolerated"; PolyPhen-2: "Probably Damaging"; Align-GVGD: "Class C0"). This variant has not been reported in the literature in individuals affected with SQSTM1-related conditions. This variant is not present in population databases (gnomAD no frequency). This sequence change replaces glutamine, which is neutral and polar, with histidine, which is basic and polar, at codon 354 of the SQSTM1 protein (p.Gln354His).